The following is an entry in ClinVar:

ClinVar aggregate classification (germline): Uncertain significance (1 of 4 stars; one submission).

Submission:

GeneDx
Classification: Uncertain significance. Last evaluated: 2024-06-22. Review status: criteria provided, single submitter. Criteria: GeneDx Variant Classification Process June 2021. Collection method: clinical testing. Allele origin: germline. Affected: yes.
Comment: Not observed at significant frequency in large population cohorts (gnomAD); In silico analysis supports that this missense variant has a deleterious effect on protein structure/function; This variant is associated with the following publications: (PMID: 35191551)

NM_014009.4(FOXP3):c.1098G>T (p.Trp366Cys)

Gene: FOXP3 (forkhead box P3; minus strand). Cytogenetic location: Xp11.23.
Variant type: single nucleotide variant.
Coding change: c.1098G>T on transcript NM_014009.4 (MANE Select); coding-DNA position 1098, G replaced by T.
Protein change: p.Trp366Cys; replaces tryptophan 366 with cysteine.
Molecular consequence: missense variant.
Genome position (GRCh38, 1-based): chrX:49,251,712, C>A on the plus strand (G>T on the coding strand, the complement: FOXP3 is on the minus strand). VCF-style: chrX-49251712-C-A. GRCh37 (hg19) VCF-style: chrX-49108173-C-A.
Other names: c.993G>T, p.Trp331Cys (NM_001114377.2); short protein forms W331C, W366C.
Identifiers: ClinVar variation 3392625 (VCV003392625.1).